The following is an entry in ClinVar:

ClinVar aggregate classification (germline): Uncertain significance (1 of 4 stars; one submission).

Conditions:
Fabry disease. Also called: Fabry's disease; ALPHA-GALACTOSIDASE A DEFICIENCY; ANDERSON-FABRY DISEASE; CERAMIDE TRIHEXOSIDASE DEFICIENCY; GLA DEFICIENCY; HEREDITARY DYSTOPIC LIPIDOSIS. Identifiers: Orphanet 324, MedGen C0002986, MONDO:0010526, OMIM 301500, HP:0001071. Disease mechanism: Fabry disease is due to inactivating mutations in the X-linked GLA gene resulting in deficiency of the enzyme Alpha Galactosidase-A., loss of function.

Submission:

Color Diagnostics, LLC DBA Color Health
Classification: Uncertain significance for Fabry disease. Last evaluated: 2025-07-07. Review status: criteria provided, single submitter. Criteria: ACMG Guidelines, 2015. Collection method: clinical testing. Allele origin: germline.
Comment: This missense variant replaces leucine with isoleucine at codon 394 of the GLA protein. Computational prediction suggests that this variant may not impact protein structure and function. To our knowledge, functional studies have not been reported for this variant. This variant has not been reported in individuals affected with GLA-related disorders in the literature. This variant has not been identified in the general population by the Genome Aggregation Database (gnomAD). The available evidence is insufficient to determine the role of this variant in disease conclusively. Therefore, this variant is classified as a Variant of Uncertain Significance.

NM_000169.3(GLA):c.1180C>A (p.Leu394Ile)

Genes: GLA (galactosidase alpha; minus strand), RPL36A-HNRNPH2 (RPL36A-HNRNPH2 readthrough; plus strand). Cytogenetic location: Xq22.1.
Variant type: single nucleotide variant.
Coding change: c.1180C>A on transcript NM_000169.3 (MANE Select); coding-DNA position 1180, C replaced by A.
Protein change: p.Leu394Ile; replaces leucine 394 with isoleucine.
Molecular consequence: missense variant. On other transcripts: non-coding transcript variant (3), intron variant (2).
Genome position (GRCh38, 1-based): chrX:101,397,919, G>T on the plus strand (C>A on the coding strand, the complement: GLA is on the minus strand). VCF-style: chrX-101397919-G-T. GRCh37 (hg19) VCF-style: chrX-100652907-G-T.
Other names: c.1303C>A, p.Leu435Ile (NM_001406747.1); c.300+2462G>T (NM_001199973.2); c.177+6097G>T (NM_001199974.2); short protein forms L394I, L435I.
Identifiers: ClinVar variation 4757357 (VCV004757357.1).
Genomic context (GRCh38, chrX:101,397,919, plus strand): 5'-AAACAGTGCCTGTGGGATTTATGTGACTTCTTAACCTTGAAGTCCATTCATAGAACCCTA[G>T]CTTCCTTTTCACAGGGAGGAGCTGTGTGATGAAGCAGGCAGGATTACAGGCCACTCCTTT-3'
Protein context (NP_000160.1, residues 384-404): ITQLLPVKRK[Leu394Ile]GFYEWTSRLR